The following is an entry in ClinVar:

NM_198578.4(LRRK2):c.1999del (p.Val667fs)

Gene: LRRK2 (leucine rich repeat kinase 2; plus strand). Cytogenetic location: 12q12.
Variant type: Deletion.
Coding change: c.1999del on transcript NM_198578.4 (MANE Select); coding-DNA position 1999, one base deleted (G; older notation c.1999delG).
Protein change: p.Val667fs; shifts the reading frame from valine 667.
Molecular consequence: frameshift variant.
Genome position (GRCh38, 1-based): chr12:40,277,945, G deleted; the last of 2 consecutive G bases (chr12:40,277,944-40,277,945); deleting either gives the same sequence. VCF-style (leftmost placement, unchanged base first): chr12-40277943-TG-T. GRCh37 (hg19) VCF-style: chr12-40671745-TG-T.
Other names: short protein forms V667fs.
Identifiers: ClinVar variation 3646380 (VCV003646380.2).

ClinVar aggregate classification (germline): Uncertain significance (1 of 4 stars; one submission).

Conditions:
Autosomal dominant Parkinson disease 8. Also called: LRRK2-Related Parkinson Disease; Parkinson disease 8; Parkinson disease 8, susceptibility to. Identifiers: Orphanet 411602, MedGen C1846862, MONDO:0011764, OMIM 607060.

Submission:

Labcorp Genetics (formerly Invitae), Labcorp
Classification: Uncertain significance for Autosomal dominant Parkinson disease 8. Last evaluated: 2024-03-20. Review status: criteria provided, single submitter. Criteria: Invitae Variant Classification Sherloc (09022015). Collection method: clinical testing. Allele origin: germline.
Comment: This sequence change creates a premature translational stop signal (p.Val667Cysfs*7) in the LRRK2 gene. It is expected to result in an absent or disrupted protein product. However, the current clinical and genetic evidence is not sufficient to establish whether loss-of-function variants in LRRK2 cause disease. This variant is not present in population databases (gnomAD no frequency). This variant has not been reported in the literature in individuals affected with LRRK2-related conditions. In summary, the available evidence is currently insufficient to determine the role of this variant in disease. Therefore, it has been classified as a Variant of Uncertain Significance.